The following is an entry in ClinVar:

ClinVar aggregate classification (germline): Uncertain significance (1 of 4 stars; one submission).

Submission:

Women's Health and Genetics/Laboratory Corporation of America, LabCorp
Classification: Uncertain significance. Last evaluated: 2022-12-01. Review status: criteria provided, single submitter. Criteria: LabCorp Variant Classification Summary - May 2015. Collection method: clinical testing. Allele origin: germline.
Comment: Variant summary: The variant identified by MLPA or other technology involves the partial duplication of exon 1 in the EPCAM gene. A presumed nomenclature of c.(?_-304)_(57_?)dup has been designated for the purposes of this classification. It has been assumed that this is a tandem duplication in direct orientation (Richardson_GIM_2018, Newman_AJHG_2015). Although exact breakpoints of this CNV are not known, it is expected to result in a large duplication change in the EPCAM gene, involving the initiation codon. The variant was absent in 21694 control chromosomes in the gnomAD database (Structural Variants dataset). The available data on variant occurrences in the general population are insufficient to allow any conclusion about variant significance. To our knowledge, no occurrence of c.(?_-304)_(57_?)dup in individuals affected with Lynch Syndrome and no experimental evidence demonstrating its impact on protein function have been reported. No clinical diagnostic laboratories have submitted clinical-significance assessments for this variant to ClinVar after 2014. Based on the evidence outlined above, the variant was classified as uncertain significance.

NC_000002.11:g.(?_47596341)_(47596701_?)dup

Gene: EPCAM (epithelial cell adhesion molecule; plus strand). Cytogenetic location: 2p21.
Variant type: Duplication.
Identifiers: ClinVar variation 1878220 (VCV001878220.1).